The following is an entry in ClinVar:

ClinVar aggregate classification (germline): Uncertain significance (1 of 4 stars; one submission).

Conditions:
Autoimmune lymphoproliferative syndrome, type III caused by mutation in PRKCD. Identifiers: Orphanet 3261, Orphanet 664711, MedGen C3809928, MONDO:8000024, OMIM 615559.

gnomAD v4.1: 2 of 1,614,236 alleles (0.00012%); highest among the groups gnomAD compares: Non-Finnish European, 0.00017%; no homozygotes.

Submission:

Labcorp Genetics (formerly Invitae), Labcorp
Classification: Uncertain significance for Autoimmune lymphoproliferative syndrome, type III caused by mutation in PRKCD. Last evaluated: 2025-05-13. Review status: criteria provided, single submitter. Criteria: Invitae Variant Classification Sherloc (09022015). Collection method: clinical testing. Allele origin: germline.
Comment: This sequence change affects codon 354 of the PRKCD mRNA. It is a 'silent' change, meaning that it does not change the encoded amino acid sequence of the PRKCD protein. This variant is not present in population databases (gnomAD no frequency). This variant has not been reported in the literature in individuals affected with PRKCD-related conditions. Algorithms developed to predict the effect of sequence changes on RNA splicing suggest that this variant may create or strengthen a splice site. In summary, the available evidence is currently insufficient to determine the role of this variant in disease. Therefore, it has been classified as a Variant of Uncertain Significance.

NM_006254.4(PRKCD):c.1062C>G (p.Val354=)

Gene: PRKCD (protein kinase C delta; plus strand). Cytogenetic location: 3p21.1.
Variant type: single nucleotide variant.
Coding change: c.1062C>G on transcript NM_006254.4 (MANE Select); coding-DNA position 1062, C replaced by G.
Protein change: p.Val354=; no amino-acid change (valine 354 retained).
Molecular consequence: synonymous variant.
Genome position (GRCh38, 1-based): chr3:53,186,003, C>G. VCF-style: chr3-53186003-C-G. GRCh37 (hg19) VCF-style: chr3-53220019-C-G.
Other names: c.1062C>G, p.Val354= (NM_001316327.2, NM_001354679.2, NM_001354680.2 and 1 more transcripts); c.1119C>G, p.Val373= (NM_001354676.2); c.1110C>G, p.Val370= (NM_001354678.2).
Identifiers: ClinVar variation 4690300 (VCV004690300.1).
Genomic context (GRCh38, chr3:53,186,003, plus strand): 5'-CGGCAAGATCTGGGAGGGCAGCAGCAAGTGCAACATCAACAACTTCATCTTCCACAAGGT[C>G]CTGGGCAAAGGCAGCTTCGGGAAGGTGAGGGCTGTGAGCCGGGCACCTGCTTCCCACCCC-3'
Protein context (NP_006245.2, residues 344-364): CNINNFIFHK[Val354=]LGKGSFGKVL